The following is an entry in ClinVar:

NM_001035.3(RYR2):c.2354A>G (p.Asp785Gly)

Gene: RYR2 (ryanodine receptor 2; plus strand). Cytogenetic location: 1q43.
Variant type: single nucleotide variant.
Coding change: c.2354A>G on transcript NM_001035.3 (MANE Select); coding-DNA position 2354, A replaced by G.
Protein change: p.Asp785Gly; replaces aspartic acid 785 with glycine.
Molecular consequence: missense variant.
Genome position (GRCh38, 1-based): chr1:237,500,861, A>G. VCF-style: chr1-237500861-A-G. GRCh37 (hg19) VCF-style: chr1-237664161-A-G.
Other names: c.2354A>G, p.Asp785Gly (LRG_402t1); short protein forms D785G.
Identifiers: ClinVar variation 641787 (VCV000641787.12), dbSNP rs1572613741, ClinGen allele CA345393317.

ClinVar aggregate classification (germline): Uncertain significance. Review status: criteria provided, multiple submitters, no conflicts (2 of 4 stars). 3 submissions from 3 submitters: Uncertain significance (3). Last evaluated 2024-10-28.

Conditions:
Cardiomyopathy (CMYO). Also called: Cardiomyopathies. Identifiers: Orphanet 167848, MedGen C0878544, MONDO:0004994, HP:0001638. Inheritance: Various modes of inheritance.
Catecholaminergic polymorphic ventricular tachycardia 1. Also called: RYR2-Related Catecholaminergic Polymorphic Ventricular Tachycardia; VENTRICULAR TACHYCARDIA, STRESS-INDUCED POLYMORPHIC 1; VENTRICULAR TACHYCARDIA, CATECHOLAMINERGIC POLYMORPHIC, 1, WITH OR WITHOUT ATRIAL DYSFUNCTION AND/OR DILATED CARDIOMYOPATHY. Identifiers: Orphanet 3286, MedGen C1631597, MONDO:0011484, OMIM 604772.

Allele frequency attached by ClinVar (database versions not stated): TOPMed below 0.00001; gnomAD 0.00001.
gnomAD v4.1: 1 of 1,613,906 alleles (0.000062%); highest among the groups gnomAD compares: Non-Finnish European, 0.000085%; no homozygotes.

Submissions (3):

Color Diagnostics, LLC DBA Color Health
Classification: Uncertain significance for Cardiomyopathy. Last evaluated: 2024-10-28. Review status: criteria provided, single submitter. Criteria: ACMG Guidelines, 2015. Collection method: clinical testing. Allele origin: germline.
Comment: This missense variant replaces aspartic acid with glycine at codon 785 of the RYR2 protein. Computational prediction is inconclusive regarding the impact of this variant on protein structure and function (internally defined REVEL score threshold 0.5 < inconclusive < 0.7, PMID: 27666373). To our knowledge, functional studies have not been reported for this variant. This variant has not been reported in individuals affected with RYR2-related disorders in the literature. This variant has not been identified in the general population by the Genome Aggregation Database (gnomAD). The available evidence is insufficient to determine the role of this variant in disease conclusively. Therefore, this variant is classified as a Variant of Uncertain Significance.

GeneDx
Classification: Uncertain significance. Last evaluated: 2023-04-11. Review status: criteria provided, single submitter. Criteria: GeneDx Variant Classification Process June 2021. Collection method: clinical testing. Allele origin: germline. Affected: yes.
Comment: Not observed at significant frequency in large population cohorts (gnomAD); In silico analysis supports that this missense variant has a deleterious effect on protein structure/function; Has not been previously published as pathogenic or benign to our knowledge

Labcorp Genetics (formerly Invitae), Labcorp
Classification: Uncertain significance for Catecholaminergic polymorphic ventricular tachycardia 1. Last evaluated: 2018-07-20. Review status: criteria provided, single submitter. Criteria: Invitae Variant Classification Sherloc (09022015). Collection method: clinical testing. Allele origin: germline.
Comment: In summary, the available evidence is currently insufficient to determine the role of this variant in disease. Therefore, it has been classified as a Variant of Uncertain Significance. Algorithms developed to predict the effect of missense changes on protein structure and function (SIFT, PolyPhen-2, Align-GVGD) all suggest that this variant is likely to be disruptive, but these predictions have not been confirmed by published functional studies and their clinical significance is uncertain. This variant has not been reported in the literature in individuals with RYR2-related disease. This variant is not present in population databases (ExAC no frequency). This sequence change replaces aspartic acid with glycine at codon 785 of the RYR2 protein (p.Asp785Gly). The aspartic acid residue is highly conserved and there is a moderate physicochemical difference between aspartic acid and glycine.